The following is an entry in ClinVar:

NM_001042492.3(NF1):c.8475A>C (p.Arg2825Ser)

Gene: NF1 (neurofibromin 1; plus strand). Cytogenetic location: 17q11.2.
Variant type: single nucleotide variant.
Coding change: c.8475A>C on transcript NM_001042492.3 (MANE Select); coding-DNA position 8475, A replaced by C.
Protein change: p.Arg2825Ser; replaces arginine 2825 with serine.
Molecular consequence: missense variant.
Genome position (GRCh38, 1-based): chr17:31,374,110, A>C. VCF-style: chr17-31374110-A-C. GRCh37 (hg19) VCF-style: chr17-29701128-A-C.
Other names: c.8412A>C, p.Arg2804Ser (NM_000267.4); short protein forms R2804S, R2825S.
Identifiers: ClinVar variation 2677172 (VCV002677172.2), dbSNP rs2151601544, ClinGen allele CA399206057.

ClinVar aggregate classification (germline): Uncertain significance. Review status: criteria provided, multiple submitters, no conflicts (2 of 4 stars). 2 submissions from 2 submitters: Uncertain significance (2). Last evaluated 2025-08-09.

Conditions:
Juvenile myelomonocytic leukemia (JMML). Also called: LEUKEMIA, JUVENILE MYELOMONOCYTIC, SOMATIC. Identifiers: Orphanet 86834, MedGen C0349639, MONDO:0011908, OMIM 607785, HP:0012209.
Neurofibromatosis, type 1 (NF1). Also called: NEUROFIBROMATOSIS, TYPE I, SOMATIC; Peripheral type neurofibromatosis; VON RECKLINGHAUSEN DISEASE; Neurofibromatosis, type I. Identifiers: Orphanet 636, MedGen C0027831, MONDO:0018975, OMIM 162200. Disease mechanism: loss of function.

Allele frequency attached by ClinVar (database versions not stated): gnomAD exomes below 0.00001.
gnomAD v4.1: 1 of 1,614,104 alleles (0.000062%); no homozygotes.

Submissions (2):

Labcorp Genetics (formerly Invitae), Labcorp
Classification: Uncertain significance for Neurofibromatosis, type 1. Last evaluated: 2025-08-09. Review status: criteria provided, single submitter. Criteria: Invitae Variant Classification Sherloc (09022015). Collection method: clinical testing. Allele origin: germline.
Comment: This sequence change replaces arginine, which is basic and polar, with serine, which is neutral and polar, at codon 2804 of the NF1 protein (p.Arg2804Ser). This variant is not present in population databases (gnomAD no frequency). This variant has not been reported in the literature in individuals affected with NF1-related conditions. ClinVar contains an entry for this variant (Variation ID: 2677172). Invitae Evidence Modeling of protein sequence and biophysical properties (such as structural, functional, and spatial information, amino acid conservation, physicochemical variation, residue mobility, and thermodynamic stability) has been performed for this missense variant. However, the output from this modeling did not meet the statistical confidence thresholds required to predict the impact of this variant on NF1 protein function. In summary, the available evidence is currently insufficient to determine the role of this variant in disease. Therefore, it has been classified as a Variant of Uncertain Significance.

Baylor Genetics
Classification: Uncertain significance for Juvenile myelomonocytic leukemia. Last evaluated: 2023-10-19. Review status: criteria provided, single submitter. Criteria: ACMG Guidelines, 2015. Collection method: clinical testing. Allele origin: unknown.